The following is an entry in ClinVar:

ClinVar aggregate classification (germline): Uncertain significance (1 of 4 stars; one submission).

Submission:

Women's Health and Genetics/Laboratory Corporation of America, LabCorp
Classification: Uncertain significance. Last evaluated: 2023-09-01. Review status: criteria provided, single submitter. Criteria: LabCorp Variant Classification Summary - May 2015. Collection method: clinical testing. Allele origin: germline.
Comment: Variant summary: NPHS1 c.3701delT (p.Phe1234SerfsX3) results in a premature termination codon, predicted to cause a truncation of the encoded protein. While this variant is not expected to result in nonsense-mediated decay, it is expected to disrupt the last 5 amino acids of the encoded protein sequence. Other missense or truncating variants downstream of this position have not been classified as pathogenic to our knowledge. The variant was absent in 251274 control chromosomes (gnomAD). To our knowledge, no occurrence of c.3701delT in individuals affected with Nephrotic Syndrome, Type 1 and no experimental evidence demonstrating its impact on protein function have been reported. No submitters have reported clinical-significance assessments for this variant to ClinVar after 2014. Based on the evidence outlined above, the variant was classified as uncertain significance.

NM_004646.4(NPHS1):c.3701del (p.Phe1234fs)

Gene: NPHS1 (NPHS1 adhesion molecule, nephrin; minus strand). Cytogenetic location: 19q13.12.
Variant type: Deletion.
Coding change: c.3701del on transcript NM_004646.4 (MANE Select); coding-DNA position 3701, one base deleted (T; older notation c.3701delT).
Protein change: p.Phe1234fs; shifts the reading frame from phenylalanine 1234.
Molecular consequence: frameshift variant.
Genome position (GRCh38, 1-based): chr19:35,826,539, A deleted on the plus strand (T on the coding strand, the reverse complement: NPHS1 is on the minus strand); the first of 2 consecutive A bases (chr19:35,826,539-35,826,540); deleting either gives the same sequence. VCF-style (leftmost placement, unchanged base first): chr19-35826538-GA-G. GRCh37 (hg19) VCF-style: chr19-36317440-GA-G.
Other names: c.3701delT (NM_004646.3); short protein forms F1234fs.
Identifiers: ClinVar variation 2627208 (VCV002627208.1), dbSNP rs2513749284, ClinGen allele CA2582342952.